The following is an entry in ClinVar:

ClinVar aggregate classification (germline): Conflicting classifications of pathogenicity. Review status: criteria provided, conflicting classifications (1 of 4 stars). 11 submissions from 11 submitters: Uncertain significance (5); Likely benign (6). Last evaluated 2026-01-19.

Conditions:
Hereditary cancer-predisposing syndrome. Also called: Neoplastic Syndromes, Hereditary; Hereditary Cancer Syndrome; Tumor predisposition; Hereditary neoplastic syndrome. Identifiers: Orphanet 140162, MedGen C0027672, MeSH D009386, MONDO:0015356.
Hereditary breast ovarian cancer syndrome. Also called: Hereditary breast and/or ovarian cancer syndrome; Hereditary breast and ovarian cancer syndrome (HBOC); Hereditary breast and ovarian cancer syndrome; Hereditary breast and ovarian cancer; Breast and ovarian cancer; BRCA1- and BRCA2-Associated Hereditary Breast and Ovarian Cancer. Identifiers: Orphanet 145, MedGen C0677776, MeSH D061325, MONDO:0003582. Disease mechanism: loss of function.
Breast-ovarian cancer, familial, susceptibility to, 2 (BROVCA2). Also called: BRCA2 Hereditary Breast and Ovarian Cancer. Identifiers: Orphanet 145, MedGen C2675520, MONDO:0012933, OMIM 612555. Disease mechanism: loss of function.

Allele frequency attached by ClinVar (database versions not stated): gnomAD exomes 0.00001 and 0.00002; ExAC 0.00003; gnomAD 0.00005 and 0.00007; ESP Exome Variant Server 0.00008; TOPMed 0.00009; 1000 Genomes Project 0.00020; 1000 Genomes Project 30x 0.00031.
gnomAD v4.1: 21 of 1,610,478 alleles (0.0013%); highest among the groups gnomAD compares: East Asian, 0.0089%; 1 homozygote.

Submissions (11):

Labcorp Genetics (formerly Invitae), Labcorp
Classification: Likely benign for Hereditary breast ovarian cancer syndrome. Last evaluated: 2026-01-19. Review status: criteria provided, single submitter. Criteria: Invitae Variant Classification Sherloc (09022015). Collection method: clinical testing. Allele origin: germline.

Women's Health and Genetics/Laboratory Corporation of America, LabCorp
Classification: Likely benign. Last evaluated: 2025-10-24. Review status: criteria provided, single submitter. Criteria: LabCorp Variant Classification Summary - May 2015. Collection method: clinical testing. Allele origin: germline.
Comment: Variant summary: BRCA2 c.695A>G (p.Tyr232Cys) results in a non-conservative amino acid change in the encoded protein sequence. Algorithms developed to predict the effect of missense changes on protein structure and function are either unavailable or do not agree on the potential impact of this missense change. The variant allele was found at a frequency of 1.3e-05 in 1610478 control chromosomes in the gnomAD database, including 1 homozygotes. This frequency is not significantly higher than estimated for disease-causing variants in BRCA2, allowing no conclusion about variant significance. c.695A>G has been reported in settings of multigene panel testing in cohorts of patients with breast cancer (Momozawa_2018), prostate cancer (Wei_2019), Esophageal squamous cell carcinoma (ESCC) (Ko_2020) as well as in unaffected controls (Momozawa_2018). These report(s) do not provide unequivocal conclusions about association of the variant with Hereditary Breast And Ovarian Cancer Syndrome. Co-occurrences with other pathogenic variant(s) have been reported (BRCA2 c.4552delG , p.Glu1518AsnfsX25, internal_testing), providing supporting evidence for a benign role. To our knowledge, no experimental evidence demonstrating an impact on protein function has been reported. The following publications have been ascertained in the context of this evaluation (PMID: 28591715, 31396961, 30287823, 31248605, 36243179). ClinVar contains an entry for this variant (Variation ID: 141345). Based on the evidence outlined above, the variant was classified as likely benign.

Quest Diagnostics Nichols Institute San Juan Capistrano
Classification: Uncertain significance. Last evaluated: 2025-08-15. Review status: criteria provided, single submitter. Criteria: Quest Diagnostics criteria. Collection method: clinical testing. Allele origin: unknown.
Comment: The BRCA2 c.695A>G (p.Tyr232Cys) variant has been reported in the published literature in individuals with breast cancer (PMID: 30287823 (2018), 33471991 (2021), see also LOVD, 37803017 (2023)), prostate cancer (PMID: 31248605 (2019)), esophageal squamous cell carcinoma (PMID: 31396961 (2020)), and reportedly unaffected individuals (PMID: 30287823 (2018), 32467295 (2020), 33471991 (2021), see also LOVD, 36243179 (2022)). The frequency of this variant in the general population (Genome Aggregation Database) is uninformative in the assessment of its pathogenicity. Analysis of this variant using bioinformatics tools for the prediction of the effect of amino acid changes on protein structure and function yielded predictions that this variant is benign. Based on the available information, we are unable to determine the clinical significance of this variant.

GeneDx
Classification: Uncertain significance. Last evaluated: 2025-08-07. Review status: criteria provided, single submitter. Criteria: GeneDx Variant Classification Process June 2021. Collection method: clinical testing. Allele origin: germline. Affected: yes.
Comment: Not observed at significant frequency in large population cohorts (gnomAD); In silico analysis suggests that this missense variant does not alter protein structure/function; Also known as 923A>G; This variant is associated with the following publications: (PMID: 27071721, 31248605, 33471991, 37937776, 32467295, 30287823, 36243179, 31396961, 31853058, 29884841, 32377563)

All of Us Research Program, National Institutes of Health
Classification: Likely benign for Breast-ovarian cancer, familial, susceptibility to, 2. Last evaluated: 2023-11-02. Review status: criteria provided, single submitter. Criteria: ACMG Guidelines, 2015. Collection method: clinical testing. Allele origin: germline. Inheritance: Autosomal dominant inheritance. Observed: 4 variant alleles, 4 heterozygotes.
Comment: This study involves interpretation of variants in research participants for the purpose of population health screening. Participant phenotype was not available at the time of variant classification. Additional details can be found in publication PMID: 35346344, PMCID: PMC8962531

ARUP Laboratories, Molecular Genetics and Genomics, ARUP Laboratories
Classification: Uncertain significance. Last evaluated: 2023-04-19. Review status: criteria provided, single submitter. Criteria: ARUP Molecular Germline Variant Investigation Process 2024. Collection method: clinical testing. Allele origin: germline.
Comment: The BRCA2 c.695A>G; p.Tyr232Cys variant (rs372188754) is reported in the literature in individuals affected with breast cancer, prostate cancer, or esophageal squamous cell carcinoma without clear disease association (Ko 2020, Momozawa 2018, Wei 2019), and is also found in healthy controls (Momozawa 2018). This variant is reported in ClinVar (Variation ID: 141345), and is found in the general population with an overall allele frequency of 0.0020% (5/250024 alleles) in the Genome Aggregation Database. Computational analyses are uncertain whether this variant is neutral or deleterious (REVEL: 0.279). Due to limited information, the clinical significance of this variant is uncertain at this time. References: Ko JM et al. BRCA2 loss-of-function germline mutations are associated with esophageal squamous cell carcinoma risk in Chinese. Int J Cancer. 2020 Feb 15;146(4):1042-1051. PMID: 31396961. Momozawa Y et al. Germline pathogenic variants of 11 breast cancer genes in 7,051 Japanese patients and 11,241 controls. Nat Commun. 2018 Oct 4;9(1):4083. PMID: 30287823. Wei Y et al. Germline DNA Repair Gene Mutation Landscape in Chinese Prostate Cancer Patients. Eur Urol. 2019 Sep;76(3):280-283. PMID: 31248605.

Sema4
Classification: Uncertain significance for Hereditary cancer-predisposing syndrome. Last evaluated: 2021-12-15. Review status: criteria provided, single submitter. Criteria: Sema4 Curation Guidelines. Collection method: curation. Allele origin: germline.
Comment: The BRCA2 c.695A>G (p.Y232C) variant has been reported in individuals with breast cancer and esophageal cancer (PMID: 30287823, 31396961). Additionally, a large case-control study observed the variant in 1/60466 breast cancer cases and in 3/53461 controls (PMID: 33471991). It was observed in 2/30422 chromosomes of the South Asian subpopulation in the large and broad cohorts of the Genome Aggregation Database (PMID: 32461654). The variant has been reported in ClinVar (Variation ID 141345). Functional studies have not been performed, and in silico predictions of the variant's effect on protein function are inconclusive. The evidence is insufficient to meet ACMG/AMP criteria for classifying the variant as benign or pathogenic. Thus, the clinical significance of this variant is currently uncertain.

Blueprint Genetics
Classification: Likely benign. Last evaluated: 2021-03-12. Review status: criteria provided, single submitter. Criteria: ACMG Guidelines, 2015. Collection method: clinical testing. Allele origin: germline.

Ambry Genetics
Classification: Likely benign for Hereditary cancer-predisposing syndrome. Last evaluated: 2018-09-28. Review status: criteria provided, single submitter. Criteria: Ambry Variant Classification Scheme 2023. Collection method: clinical testing. Allele origin: germline.

Color Diagnostics, LLC DBA Color Health
Classification: Likely benign for Hereditary cancer-predisposing syndrome. Last evaluated: 2016-06-14. Review status: criteria provided, single submitter. Criteria: ACMG Guidelines, 2015. Collection method: clinical testing. Allele origin: germline.

Eurofins Ntd Llc (ga)
Classification: Uncertain significance. Last evaluated: 2015-04-16. Review status: criteria provided, single submitter. Criteria: EGL Classification Definitions 2015. Collection method: clinical testing. Allele origin: germline. Observed: 1 variant allele, 1 heterozygote.

Literature cited by the submitters: PubMed 28591715 (cited by Women's Health and Genetics/Laboratory Corporation of America, LabCorp); PubMed 30287823 (cited by 3 submitters); PubMed 31248605 (cited by Women's Health and Genetics/Laboratory Corporation of America, LabCorp and Quest Diagnostics Nichols Institute San Juan Capistrano); PubMed 31396961 (cited by 3 submitters); PubMed 36243179 (cited by Women's Health and Genetics/Laboratory Corporation of America, LabCorp and Quest Diagnostics Nichols Institute San Juan Capistrano); PubMed 37803017 (cited by Quest Diagnostics Nichols Institute San Juan Capistrano); PubMed 33471991 (cited by Quest Diagnostics Nichols Institute San Juan Capistrano and Sema4); PubMed 32467295 (cited by Quest Diagnostics Nichols Institute San Juan Capistrano).

NM_000059.4(BRCA2):c.695A>G (p.Tyr232Cys)

Gene: BRCA2 (BRCA2 DNA repair associated; plus strand). Cytogenetic location: 13q13.1.
Variant type: single nucleotide variant.
Coding change: c.695A>G on transcript NM_000059.4 (MANE Select); coding-DNA position 695, A replaced by G.
Protein change: p.Tyr232Cys; replaces tyrosine 232 with cysteine.
Molecular consequence: missense variant.
Genome position (GRCh38, 1-based): chr13:32,330,932, A>G. VCF-style: chr13-32330932-A-G. GRCh37 (hg19) VCF-style: chr13-32905069-A-G.
Other names: short protein forms Y232C.
Identifiers: ClinVar variation 141345 (VCV000141345.71), dbSNP rs372188754, ClinGen allele CA024642.